The following is an entry in ClinVar:

ClinVar aggregate classification (germline): Likely benign. Review status: criteria provided, multiple submitters, no conflicts (2 of 4 stars). 2 submissions from 2 submitters: Likely benign (2). Last evaluated 2026-07-24.

Conditions:
PLEKHG5-related disorder. Also called: PLEKHG5-related condition.
Charcot-Marie-Tooth disease recessive intermediate C. Also called: CHARCOT-MARIE-TOOTH NEUROPATHY, RECESSIVE INTERMEDIATE C. Identifiers: Orphanet 369867, MedGen C3809309, MONDO:0014154, OMIM 615376.
Neuronopathy, distal hereditary motor, autosomal recessive 4. Also called: Autosomal recessive lower motor neuron disease with childhood onset; NEUROPATHY, DISTAL HEREDITARY MOTOR, AUTOSOMAL RECESSIVE 4. Identifiers: Orphanet 206580, MedGen C1970211, MONDO:0012608, OMIM 611067.

Allele frequency attached by ClinVar (database versions not stated): ExAC 0.00003; gnomAD 0.00003 and 0.00004; gnomAD exomes 0.00004; TOPMed 0.00008; ESP Exome Variant Server 0.00015.
gnomAD v4.1: 40 of 1,612,376 alleles (0.0025%); highest among the groups gnomAD compares: African/African-American, 0.004%; no homozygotes.

Submissions (2):

PreventionGenetics, part of Exact Sciences
Classification: Likely benign for PLEKHG5-related condition. Last evaluated: 2026-07-24. Review status: criteria provided, single submitter. Criteria: ACMG Guidelines, 2015. Collection method: clinical testing. Allele origin: germline.
Comment: This variant is classified as likely benign based on ACMG/AMP sequence variant interpretation guidelines (Richards et al. 2015 PMID: 25741868, with internal and published modifications).

Labcorp Genetics (formerly Invitae), Labcorp
Classification: Likely benign for Neuronopathy, distal hereditary motor, autosomal recessive 4; Charcot-Marie-Tooth disease recessive intermediate C. Last evaluated: 2025-03-12. Review status: criteria provided, single submitter. Criteria: Invitae Variant Classification Sherloc (09022015). Collection method: clinical testing. Allele origin: germline.

NM_020631.6(PLEKHG5):c.984+8C>T

Gene: PLEKHG5 (pleckstrin homology and RhoGEF domain containing G5; minus strand). Cytogenetic location: 1p36.31.
Variant type: single nucleotide variant.
Coding change: c.984+8C>T on transcript NM_020631.6 (MANE Select); 8 bases into the intron after coding-DNA position 984, C replaced by T.
Molecular consequence: intron variant.
Genome position (GRCh38, 1-based): chr1:6,472,978, G>A on the plus strand (C>T on the coding strand, the complement: PLEKHG5 is on the minus strand). VCF-style: chr1-6472978-G-A. GRCh37 (hg19) VCF-style: chr1-6533038-G-A.
Other names: c.984+8C>T (NM_198681.4, NM_001265594.3, NM_001042664.2 and 1 more transcripts); c.1095+8C>T (NM_001042663.3, NM_001265592.2); c.1191+8C>T (NM_001265593.2).
Identifiers: ClinVar variation 783203 (VCV000783203.12), dbSNP rs373560661, ClinGen allele CA561696.
Genomic context (GRCh38, chr1:6,472,978, plus strand): 5'-ACTGGGTCCTCCCGAGGGCTGTCCTCCTTTCGGGACAAGGAGGGAGCAGCACTGTGGCCC[G>A]CACTCACCTCATGCCCATCAATGAGCTCCCGCCAGCTGTCCTCCAGCCTCAGGCAGGCAT-3'